The following is an entry in ClinVar:

NM_014285.7(EXOSC2):c.801+3A>G

Gene: EXOSC2 (exosome component 2; plus strand). Cytogenetic location: 9q34.12.
Variant type: single nucleotide variant.
Coding change: c.801+3A>G on transcript NM_014285.7 (MANE Select); 3 bases into the intron after coding-DNA position 801, A replaced by G.
Molecular consequence: intron variant.
Genome position (GRCh38, 1-based): chr9:130,703,184, A>G. VCF-style: chr9-130703184-A-G. GRCh37 (hg19) VCF-style: chr9-133578571-A-G.
Other names: c.723+3A>G (NM_001282708.1); c.711+3A>G (NM_001282709.1).
Identifiers: ClinVar variation 2135154 (VCV002135154.4), dbSNP rs778390754, ClinGen allele CA5284980.

ClinVar aggregate classification (germline): Uncertain significance (1 of 4 stars; one submission).

Allele frequency attached by ClinVar (database versions not stated): ExAC 0.00001; gnomAD 0.00001; gnomAD exomes 0.00001; TOPMed 0.00001.
gnomAD v4.1: 17 of 1,606,868 alleles (0.0011%); highest among the groups gnomAD compares: Non-Finnish European, 0.0014%; no homozygotes.

Submission:

Labcorp Genetics (formerly Invitae), Labcorp
Classification: Uncertain significance. Last evaluated: 2022-05-07. Review status: criteria provided, single submitter. Criteria: Invitae Variant Classification Sherloc (09022015). Collection method: clinical testing. Allele origin: germline.
Comment: In summary, the available evidence is currently insufficient to determine the role of this variant in disease. Therefore, it has been classified as a Variant of Uncertain Significance. Variants that disrupt the consensus splice site are a relatively common cause of aberrant splicing (PMID: 17576681, 9536098). Algorithms developed to predict the effect of sequence changes on RNA splicing suggest that this variant may create or strengthen a splice site. This variant has not been reported in the literature in individuals affected with EXOSC2-related conditions. This variant is present in population databases (rs778390754, gnomAD 0.0009%). This sequence change falls in intron 8 of the EXOSC2 gene. It does not directly change the encoded amino acid sequence of the EXOSC2 protein. It affects a nucleotide within the consensus splice site.

Literature cited by the submitters: PubMed 17576681; PubMed 9536098.